The following is an entry in ClinVar:

ClinVar aggregate classification (germline): Pathogenic/Likely pathogenic. Review status: criteria provided, multiple submitters, no conflicts (2 of 4 stars). 3 submissions from 3 submitters: Pathogenic (1); Likely pathogenic (2). Last evaluated 2025-12-22.

Conditions:
Fatal mitochondrial disease due to combined oxidative phosphorylation defect type 3. Also called: ENCEPHALOMYOPATHY, RESPIRATORY FAILURE, AND LACTIC ACIDOSIS; Combined oxidative phosphorylation deficiency 3. Identifiers: Orphanet 168566, MedGen C1864840, MONDO:0012512, OMIM 610505.

Submissions (3):

Natera, Inc.
Classification: Likely pathogenic for Combined oxidative phosphorylation deficiency 3. Last evaluated: 2025-12-22. Review status: criteria provided, single submitter. Criteria: Natera Variant Classification Schema (03/2026). Collection method: clinical testing. Allele origin: germline.
Comment: The c.399del variant in TSFM is a frameshift variant predicted to shift the reading frame beginning at codon 133 and leads to a stop codon 9 codons downstream. This variant is expected to result in nonsense mediated decay, truncation, or a dysfunctional protein product. This variant is rare in the general population with a frequency below the threshold expected for the associated phenotype(s). Given the available evidence, this variant is classified as Likely Pathogenic.

Baylor Genetics
Classification: Likely pathogenic for Fatal mitochondrial disease due to combined oxidative phosphorylation defect type 3. Last evaluated: 2023-08-15. Review status: criteria provided, single submitter. Criteria: ACMG Guidelines, 2015. Collection method: clinical testing. Allele origin: unknown.

Labcorp Genetics (formerly Invitae), Labcorp
Classification: Pathogenic. Last evaluated: 2021-12-31. Review status: criteria provided, single submitter. Criteria: Invitae Variant Classification Sherloc (09022015). Collection method: clinical testing. Allele origin: germline.
Comment: For these reasons, this variant has been classified as Pathogenic. ClinVar contains an entry for this variant (Variation ID: 854965). This variant has not been reported in the literature in individuals affected with TSFM-related conditions. This variant is not present in population databases (gnomAD no frequency). This sequence change creates a premature translational stop signal (p.Lys133Asnfs*9) in the TSFM gene. It is expected to result in an absent or disrupted protein product. Loss-of-function variants in TSFM are known to be pathogenic (PMID: 17033963, 20435138, 25037205, 27677415).

Literature cited by the submitters: PubMed 17033963 (cited by Labcorp Genetics (formerly Invitae), Labcorp); PubMed 20435138 (cited by Labcorp Genetics (formerly Invitae), Labcorp); PubMed 25037205 (cited by Labcorp Genetics (formerly Invitae), Labcorp); PubMed 27677415 (cited by Labcorp Genetics (formerly Invitae), Labcorp).

NM_005726.6(TSFM):c.399del (p.Lys133fs)

Gene: TSFM (Ts translation elongation factor, mitochondrial; plus strand). Cytogenetic location: 12q14.1.
Variant type: Deletion.
Coding change: c.399del on transcript NM_005726.6 (MANE Select); coding-DNA position 399, one base deleted (A; older notation c.399delA).
Protein change: p.Lys133fs; shifts the reading frame from lysine 133.
Molecular consequence: frameshift variant.
Genome position (GRCh38, 1-based): chr12:57,787,078, A deleted; the last of 4 consecutive A bases (chr12:57,787,075-57,787,078); deleting any one gives the same sequence. VCF-style (leftmost placement, unchanged base first): chr12-57787074-TA-T. GRCh37 (hg19) VCF-style: chr12-58180857-TA-T.
Other names: c.399del, p.Lys133fs (NM_001172695.2, NM_001172696.2, NM_001172697.2); short protein forms K133fs.
Identifiers: ClinVar variation 854965 (VCV000854965.9), dbSNP rs1955600413, ClinGen allele CA916083318.
Genomic context (GRCh38, chr12:57,787,074, plus strand): 5'-ACAGCTATATCAATTTGTTCCCACAGGTAAACTGTGAGACAGATTTTGTTTCTAGAAATT[TA>T]AAATTTCAACTGTTGGTCCAGCAAGTAGCCCTTGGAACCATGATGCATTGTCAGACCCTA-3'